The following is an entry in ClinVar:

ClinVar aggregate classification (germline): Uncertain significance (1 of 4 stars; one submission).

gnomAD v4.1: 1 of 1,614,110 alleles (0.000062%); highest among the groups gnomAD compares: Non-Finnish European, 0.000085%; no homozygotes.

Submission:

Labcorp Genetics (formerly Invitae), Labcorp
Classification: Uncertain significance. Last evaluated: 2022-08-23. Review status: criteria provided, single submitter. Criteria: Invitae Variant Classification Sherloc (09022015). Collection method: clinical testing. Allele origin: germline.
Comment: ClinVar contains an entry for this variant (Variation ID: 1371305). In summary, the available evidence is currently insufficient to determine the role of this variant in disease. Therefore, it has been classified as a Variant of Uncertain Significance. Algorithms developed to predict the effect of missense changes on protein structure and function are either unavailable or do not agree on the potential impact of this missense change (SIFT: "Deleterious"; PolyPhen-2: "Possibly Damaging"; Align-GVGD: "Class C0"). This variant has not been reported in the literature in individuals affected with DDR2-related conditions. This variant is not present in population databases (gnomAD no frequency). This sequence change replaces proline, which is neutral and non-polar, with leucine, which is neutral and non-polar, at codon 147 of the DDR2 protein (p.Pro147Leu).

NM_006182.4(DDR2):c.440C>T (p.Pro147Leu)

Gene: DDR2 (discoidin domain receptor tyrosine kinase 2; plus strand). Cytogenetic location: 1q23.3.
Variant type: single nucleotide variant.
Coding change: c.440C>T on transcript NM_006182.4 (MANE Select); coding-DNA position 440, C replaced by T.
Protein change: p.Pro147Leu; replaces proline 147 with leucine.
Molecular consequence: missense variant.
Genome position (GRCh38, 1-based): chr1:162,755,178, C>T. VCF-style: chr1-162755178-C-T. GRCh37 (hg19) VCF-style: chr1-162724968-C-T.
Other names: c.440C>T, p.Pro147Leu (NM_001014796.3, NM_001354982.2, NM_001354983.2); short protein forms P147L.
Identifiers: ClinVar variation 1371305 (VCV001371305.6), dbSNP rs2102136516, ClinGen allele CA343405773.